The following is an entry in ClinVar:

NM_000051.4(ATM):c.7733C>T (p.Ala2578Val)

Genes: ATM (ATM serine/threonine kinase; plus strand), C11orf65 (chromosome 11 open reading frame 65; minus strand). Cytogenetic location: 11q22.3.
Variant type: single nucleotide variant.
Coding change: c.7733C>T on transcript NM_000051.4 (MANE Select); coding-DNA position 7733, C replaced by T.
Protein change: p.Ala2578Val; replaces alanine 2578 with valine.
Molecular consequence: missense variant. On other transcripts: intron variant (2).
Genome position (GRCh38, 1-based): chr11:108,331,982, C>T. VCF-style: chr11-108331982-C-T. GRCh37 (hg19) VCF-style: chr11-108202709-C-T.
Other names: c.7733C>T, p.Ala2578Val (NM_001351834.2); c.641-22911G>A (NM_001330368.2); c.*38+3238G>A (NM_001351110.2); short protein forms A2578V.
Identifiers: ClinVar variation 3720478 (VCV003720478.3).

ClinVar aggregate classification (germline): Conflicting classifications of pathogenicity. Review status: criteria provided, conflicting classifications (1 of 4 stars). 2 submissions from 2 submitters: Uncertain significance (1); Likely benign (1). Last evaluated 2026-01-07.

Conditions:
Ataxia-telangiectasia syndrome (AT). Also called: Ataxia-telangiectasia, complementation group D; AT, COMPLEMENTATION GROUP C; ATAXIA-TELANGIECTASIA, COMPLEMENTATION GROUP A; ATAXIA-TELANGIECTASIA, FRESNO VARIANT; Ataxia-telangiectasia; Ataxia-telangiectasia, complementation group E. Identifiers: Orphanet 100, MedGen C0004135, MONDO:0008840, OMIM 208900.
Hereditary cancer-predisposing syndrome. Also called: Neoplastic Syndromes, Hereditary; Tumor predisposition; Hereditary Cancer Syndrome; Hereditary neoplastic syndrome. Identifiers: Orphanet 140162, MedGen C0027672, MeSH D009386, MONDO:0015356.

Submissions (2):

Ambry Genetics
Classification: Likely benign for Hereditary cancer-predisposing syndrome. Last evaluated: 2026-01-07. Review status: criteria provided, single submitter. Criteria: Ambry Variant Classification Scheme 2023. Collection method: clinical testing. Allele origin: germline.

Labcorp Genetics (formerly Invitae), Labcorp
Classification: Uncertain significance for Ataxia-telangiectasia syndrome. Last evaluated: 2025-01-17. Review status: criteria provided, single submitter. Criteria: Invitae Variant Classification Sherloc (09022015). Collection method: clinical testing. Allele origin: germline.
Comment: This sequence change replaces alanine, which is neutral and non-polar, with valine, which is neutral and non-polar, at codon 2578 of the ATM protein (p.Ala2578Val). This variant is not present in population databases (gnomAD no frequency). This variant has not been reported in the literature in individuals affected with ATM-related conditions. Invitae Evidence Modeling of protein sequence and biophysical properties (such as structural, functional, and spatial information, amino acid conservation, physicochemical variation, residue mobility, and thermodynamic stability) indicates that this missense variant is not expected to disrupt ATM protein function with a negative predictive value of 95%. In summary, the available evidence is currently insufficient to determine the role of this variant in disease. Therefore, it has been classified as a Variant of Uncertain Significance.